The following is an entry in ClinVar:

NM_002458.3(MUC5B):c.7422G>C (p.Val2474=)

Genes: MUC5B-AS1 (MUC5B antisense RNA 1; minus strand), MUC5B (mucin 5B, oligomeric mucus/gel-forming; plus strand). Cytogenetic location: 11p15.5.
Variant type: single nucleotide variant.
Coding change: c.7422G>C on transcript NM_002458.3 (MANE Select); coding-DNA position 7422, G replaced by C.
Protein change: p.Val2474=; no amino-acid change (valine 2474 retained).
Molecular consequence: synonymous variant.
Genome position (GRCh38, 1-based): chr11:1,244,302, G>C. VCF-style: chr11-1244302-G-C. GRCh37 (hg19) VCF-style: chr11-1265532-G-C.
Identifiers: ClinVar variation 4821953 (VCV004821953.4).
Genomic context (GRCh38, chr11:1,244,302, plus strand): 5'-CCCGTCCTCCACCCCAGGGACCACCTGGATCCTCACAGAGCCGAGCACTACAGCCACCGT[G>C]ACGGTGCCCACCGGATCCACGGCCACCGCCTCCTCCACCCAGGCAACTGCTGGCACCCCA-3'
Protein context (NP_002449.2, residues 2464-2484): ILTEPSTTAT[Val2474=]TVPTGSTATA

ClinVar aggregate classification (germline): Likely benign (1 of 4 stars; one submission).

Submission:

CeGaT Center for Human Genetics Tuebingen
Classification: Likely benign. Last evaluated: 2026-01-01. Review status: criteria provided, single submitter. Criteria: CeGaT Center For Human Genetics Tuebingen Variant Classification Criteria Version 2. Collection method: clinical testing. Allele origin: germline. Affected: yes. Observed: 1 variant allele.
Comment: MUC5B: PM2:Supporting, BP4, BP7